The following is an entry in ClinVar:

NM_144670.6(A2ML1):c.4187T>C (p.Phe1396Ser)

Gene: A2ML1 (alpha-2-macroglobulin like 1; plus strand). Cytogenetic location: 12p13.31.
Variant type: single nucleotide variant.
Coding change: c.4187T>C on transcript NM_144670.6 (MANE Select); coding-DNA position 4187, T replaced by C.
Protein change: p.Phe1396Ser; replaces phenylalanine 1396 with serine.
Molecular consequence: missense variant.
Genome position (GRCh38, 1-based): chr12:8,869,169, T>C. VCF-style: chr12-8869169-T-C. GRCh37 (hg19) VCF-style: chr12-9021765-T-C.
Other names: c.2714T>C, p.Phe905Ser (NM_001282424.3); short protein forms F1396S, F905S.
Identifiers: ClinVar variation 3296728 (VCV003296728.2).

ClinVar aggregate classification (germline): Conflicting classifications of pathogenicity. Review status: criteria provided, conflicting classifications (1 of 4 stars). 2 submissions from 2 submitters: Uncertain significance (1); Likely benign (1). Last evaluated 2025-09-08.

gnomAD v4.1: 2 of 1,613,996 alleles (0.00012%); highest among the groups gnomAD compares: African/African-American, 0.0013%; no homozygotes.

Submissions (2):

Labcorp Genetics (formerly Invitae), Labcorp
Classification: Uncertain significance. Last evaluated: 2025-09-08. Review status: criteria provided, single submitter. Criteria: Invitae Variant Classification Sherloc (09022015). Collection method: clinical testing. Allele origin: germline.
Comment: This sequence change replaces phenylalanine, which is neutral and non-polar, with serine, which is neutral and polar, at codon 1396 of the A2ML1 protein (p.Phe1396Ser). This variant is not present in population databases (gnomAD no frequency). This variant has not been reported in the literature in individuals affected with A2ML1-related conditions. ClinVar contains an entry for this variant (Variation ID: 3296728). An algorithm developed to predict the effect of missense changes on protein structure and function outputs the following: PolyPhen-2: "Benign". The serine amino acid residue is found in multiple mammalian species, which suggests that this missense change does not adversely affect protein function. In summary, the available evidence is currently insufficient to determine the role of this variant in disease. Therefore, it has been classified as a Variant of Uncertain Significance.

Ambry Genetics
Classification: Likely benign. Last evaluated: 2024-06-11. Review status: criteria provided, single submitter. Criteria: Ambry Variant Classification Scheme 2023. Collection method: clinical testing. Allele origin: germline.